The following is an entry in ClinVar:

ClinVar aggregate classification (germline): Conflicting classifications of pathogenicity. Review status: criteria provided, conflicting classifications (1 of 4 stars). 9 submissions from 9 submitters: Uncertain significance (1); Benign (1); Likely benign (7). Last evaluated 2026-01-22.

Conditions:
Familial adenomatous polyposis 1 (FAP1). Also called: FAMILIAL ADENOMATOUS POLYPOSIS 1, ATTENUATED; POLYPOSIS, ADENOMATOUS INTESTINAL. Identifiers: MedGen C2713442, MONDO:0021056, OMIM 175100. Disease mechanism: loss of function.
APC-related attenuated familial adenomatous polyposis. Identifiers: MedGen CN276349, MONDO:0016613.
Gardner syndrome (GS). Also called: Gardner's syndrome; Polyposis coli and multiple hard and soft tissue tumors; Intestinal polyposis, osteomas, sebaceous cysts. Identifiers: MedGen C0017097, MONDO:0019336. Disease mechanism: loss of function.
APC-Associated Polyposis Disorders.
Hereditary cancer-predisposing syndrome. Also called: Neoplastic Syndromes, Hereditary; Tumor predisposition; Hereditary Cancer Syndrome; Hereditary neoplastic syndrome. Identifiers: Orphanet 140162, MedGen C0027672, MeSH D009386, MONDO:0015356.

Allele frequency attached by ClinVar (database versions not stated): TOPMed below 0.00001; ExAC 0.00001; gnomAD exomes 0.00001 and 0.00002.
gnomAD v4.1: 13 of 1,610,252 alleles (0.00081%); highest among the groups gnomAD compares: East Asian, 0.025%; no homozygotes.

Submissions (9):

Labcorp Genetics (formerly Invitae), Labcorp
Classification: Likely benign for Familial adenomatous polyposis 1. Last evaluated: 2026-01-22. Review status: criteria provided, single submitter. Criteria: Invitae Variant Classification Sherloc (09022015). Collection method: clinical testing. Allele origin: germline.

Myriad Genetics, Inc.
Classification: Benign for Familial adenomatous polyposis 1. Last evaluated: 2024-04-02. Review status: criteria provided, single submitter. Criteria: Myriad Autosomal Dominant, Autosomal Recessive and X-Linked Classification Criteria (2023). Collection method: clinical testing. Allele origin: unknown.
Comment: This variant is considered benign. This variant is a silent/synonymous amino acid change and it is not expected to impact splicing.

Quest Diagnostics Nichols Institute San Juan Capistrano
Classification: Likely benign. Last evaluated: 2022-12-19. Review status: criteria provided, single submitter. Criteria: Quest Diagnostics criteria. Collection method: clinical testing. Allele origin: unknown.

Sema4
Classification: Likely benign for Hereditary cancer-predisposing syndrome. Last evaluated: 2021-09-15. Review status: criteria provided, single submitter. Criteria: Sema4 Curation Guidelines. Collection method: curation. Allele origin: germline.

Department of Pathology and Laboratory Medicine, Sinai Health System
Classification: Likely benign. Last evaluated: 2020-08-17. Review status: criteria provided, single submitter. Criteria: ACMG Guidelines, 2015. Collection method: clinical testing. Allele origin: germline. Affected: yes.

GeneDx
Classification: Likely benign. Last evaluated: 2019-08-14. Review status: criteria provided, single submitter. Criteria: GeneDx Variant Classification Process June 2021. Collection method: clinical testing. Allele origin: germline. Affected: yes.

Illumina Laboratory Services, Illumina
Classification: Uncertain significance for APC-Associated Polyposis Disorders. Last evaluated: 2018-01-13. Review status: criteria provided, single submitter. Criteria: ICSL Variant Classification Criteria 13 December 2019. Collection method: clinical testing. Allele origin: germline.

Color Diagnostics, LLC DBA Color Health
Classification: Likely benign for Hereditary cancer-predisposing syndrome. Last evaluated: 2016-11-07. Review status: criteria provided, single submitter. Criteria: ACMG Guidelines, 2015. Collection method: clinical testing. Allele origin: germline.

Ambry Genetics
Classification: Likely benign for Hereditary cancer-predisposing syndrome. Last evaluated: 2015-05-18. Review status: criteria provided, single submitter. Criteria: Ambry Variant Classification Scheme 2023. Collection method: clinical testing. Allele origin: germline.

NM_000038.6(APC):c.5424C>T (p.Asn1808=)

Gene: APC (APC regulator of Wnt signaling pathway; plus strand). Cytogenetic location: 5q22.2.
Variant type: single nucleotide variant.
Coding change: c.5424C>T on transcript NM_000038.6 (MANE Select); coding-DNA position 5424, C replaced by T.
Protein change: p.Asn1808=; no amino-acid change (asparagine 1808 retained).
Molecular consequence: synonymous variant.
Genome position (GRCh38, 1-based): chr5:112,841,018, C>T. VCF-style: chr5-112841018-C-T. GRCh37 (hg19) VCF-style: chr5-112176715-C-T.
Other names: c.5424C>T, p.Asn1808= (NM_001127510.3, NM_001354895.2); c.5370C>T, p.Asn1790= (NM_001127511.3); c.5478C>T, p.Asn1826= (NM_001354896.2); c.5454C>T, p.Asn1818= (NM_001354897.2); c.5349C>T, p.Asn1783= (NM_001354898.2); c.5340C>T, p.Asn1780= (NM_001354899.2); c.5301C>T, p.Asn1767= (NM_001354900.2); c.5247C>T, p.Asn1749= (NM_001354901.2); and 5 more.
Identifiers: ClinVar variation 231814 (VCV000231814.27), dbSNP rs747721259, ClinGen allele CA041957.